The following is an entry in ClinVar:

ClinVar aggregate classification (germline): Likely benign. Review status: criteria provided, single submitter (1 of 4 stars). 2 submissions from 2 submitters: Likely benign (1). 1 of the submissions does not count toward it. Last evaluated 2023-12-07.

Conditions:
CYP26C1-related disorder. Also called: CYP26C1-related condition.

Allele frequency attached by ClinVar (database versions not stated): gnomAD exomes 0.00007; ExAC 0.00059; ESP Exome Variant Server 0.00069; gnomAD 0.00088; 1000 Genomes Project 30x 0.00094; 1000 Genomes Project 0.00100; TOPMed 0.00110.
gnomAD v4.1: 220 of 1,472,442 alleles (0.015%); highest among the groups gnomAD compares: African/African-American, 0.3%; no homozygotes.

Submissions (2):

Blueprint Genetics
Classification: Likely benign. Last evaluated: 2023-12-07. Review status: criteria provided, single submitter. Criteria: ACMG Guidelines, 2015. Collection method: clinical testing. Allele origin: germline.

PreventionGenetics, part of Exact Sciences
Classification: Likely benign for CYP26C1-related condition. Last evaluated: 2019-04-10. Review status: no assertion criteria provided. Collection method: clinical testing. Allele origin: germline. Not counted in ClinVar's aggregate classification.
Comment: This variant is classified as likely benign based on ACMG/AMP sequence variant interpretation guidelines (Richards et al. 2015 PMID: 25741868, with internal and published modifications).

NM_183374.3(CYP26C1):c.459G>T (p.Ala153=)

Genes: CYP26C1 (cytochrome P450 family 26 subfamily C member 1; plus strand), LOC130004370 (ATAC-STARR-seq lymphoblastoid active region 3781; plus strand). Cytogenetic location: 10q23.33.
Variant type: single nucleotide variant.
Coding change: c.459G>T on transcript NM_183374.3 (MANE Select); coding-DNA position 459, G replaced by T.
Protein change: p.Ala153=; no amino-acid change (alanine 153 retained).
Molecular consequence: synonymous variant.
Genome position (GRCh38, 1-based): chr10:93,062,749, G>T. VCF-style: chr10-93062749-G-T. GRCh37 (hg19) VCF-style: chr10-94822506-G-T.
Identifiers: ClinVar variation 3058564 (VCV003058564.3), dbSNP rs114084223, ClinGen allele CA5605635.
Genomic context (GRCh38, chr10:93,062,749, plus strand): 5'-CCGCCAGCGCTGATCACGCGCGCTCCCACAGGTCCTGGCGCGCGTGTTCAGCCGCGCCGC[G>T]CTGGAGCGCTACGTGCCGCGCCTGCAGGGGGCGCTGCGGCATGAGGTGCGCTCCTGGTGC-3'
Protein context (NP_899230.2, residues 143-163): KVLARVFSRA[Ala153=]LERYVPRLQG